The following is an entry in ClinVar:

NM_002996.6(CX3CL1):c.70+3384T>G

Gene: CX3CL1 (C-X3-C motif chemokine ligand 1; plus strand). Cytogenetic location: 16q21.
Variant type: single nucleotide variant.
Coding change: c.70+3384T>G on transcript NM_002996.6 (MANE Select); 3384 bases into the intron after coding-DNA position 70, T replaced by G.
Molecular consequence: intron variant.
Genome position (GRCh38, 1-based): chr16:57,376,022, T>G. VCF-style: chr16-57376022-T-G. GRCh37 (hg19) VCF-style: chr16-57409934-T-G.
Other names: c.-65+3384T>G (NM_001304392.3).
Identifiers: ClinVar variation 1259556 (VCV001259556.2), dbSNP rs170364, ClinGen allele CA15887906.

ClinVar aggregate classification (germline): Benign (1 of 4 stars; one submission).

Allele frequency attached by ClinVar (database versions not stated): 1000 Genomes Project 30x 0.71924; 1000 Genomes Project 0.72185; TOPMed 0.72430; gnomAD 0.73649 and 0.73904.
gnomAD v4.1: 112,099 of 152,132 alleles (74%); highest among the groups gnomAD compares: Non-Finnish European, 76%; 41,405 homozygotes.

Submission:

GeneDx
Classification: Benign. Last evaluated: 2020-07-15. Review status: criteria provided, single submitter. Criteria: GeneDx Variant Classification Process June 2021. Collection method: clinical testing. Allele origin: germline. Affected: yes.
Comment: This variant is associated with the following publications: (PMID: 32234515)